The following is an entry in ClinVar:

ClinVar aggregate classification (germline): Uncertain significance (1 of 4 stars; one submission).

Conditions:
Carnitine palmitoyl transferase 1A deficiency. Also called: Carnitine palmitoyltransferase 1A deficiency; CPT I DEFICIENCY; CPT DEFICIENCY, HEPATIC, TYPE I; CPT deficiency, hepatic, type IA; Carnitine palmitoyltransferase type I deficiency. Identifiers: Orphanet 156, MedGen C1829703, MONDO:0009705, OMIM 255120.

gnomAD v4.1: 4 of 1,612,374 alleles (0.00025%); highest among the groups gnomAD compares: Non-Finnish European, 0.00034%; no homozygotes.

Submission:

Labcorp Genetics (formerly Invitae), Labcorp
Classification: Uncertain significance for Carnitine palmitoyl transferase 1A deficiency. Last evaluated: 2022-11-08. Review status: criteria provided, single submitter. Criteria: Invitae Variant Classification Sherloc (09022015). Collection method: clinical testing. Allele origin: germline.
Comment: This sequence change replaces proline, which is neutral and non-polar, with threonine, which is neutral and polar, at codon 703 of the CPT1A protein (p.Pro703Thr). This variant is not present in population databases (gnomAD no frequency). In summary, the available evidence is currently insufficient to determine the role of this variant in disease. Therefore, it has been classified as a Variant of Uncertain Significance. Algorithms developed to predict the effect of sequence changes on RNA splicing suggest that this variant may create or strengthen a splice site. Algorithms developed to predict the effect of missense changes on protein structure and function output the following: SIFT: "Tolerated"; PolyPhen-2: "Benign"; Align-GVGD: "Class C0". The threonine amino acid residue is found in multiple mammalian species, which suggests that this missense change does not adversely affect protein function. This variant has not been reported in the literature in individuals affected with CPT1A-related conditions.

NM_001876.4(CPT1A):c.2107C>A (p.Pro703Thr)

Gene: CPT1A (carnitine palmitoyltransferase 1A; minus strand). Cytogenetic location: 11q13.3.
Variant type: single nucleotide variant.
Coding change: c.2107C>A on transcript NM_001876.4 (MANE Select); coding-DNA position 2107, C replaced by A.
Protein change: p.Pro703Thr; replaces proline 703 with threonine.
Molecular consequence: missense variant.
Genome position (GRCh38, 1-based): chr11:68,760,260, G>T on the plus strand (C>A on the coding strand, the complement: CPT1A is on the minus strand). VCF-style: chr11-68760260-G-T. GRCh37 (hg19) VCF-style: chr11-68527728-G-T.
Other names: c.2107C>A, p.Pro703Thr (NM_001031847.3); short protein forms P703T.
Identifiers: ClinVar variation 2146247 (VCV002146247.4), dbSNP rs1223542184, ClinGen allele CA381625813.